The following is an entry in ClinVar:

ClinVar aggregate classification (germline): Uncertain significance (1 of 4 stars; one submission).

Conditions:
Hereditary spastic paraplegia 28. Also called: Spastic paraplegia 28, autosomal recessive. Identifiers: Orphanet 101008, MedGen C1836295, MONDO:0012256, OMIM 609340.

Allele frequency attached by ClinVar (database versions not stated): gnomAD exomes below 0.00001.
gnomAD v4.1: 1 of 1,610,876 alleles (0.000062%); highest among the groups gnomAD compares: Non-Finnish European, 0.000085%; no homozygotes.

Submission:

Labcorp Genetics (formerly Invitae), Labcorp
Classification: Uncertain significance for Hereditary spastic paraplegia 28. Last evaluated: 2021-02-09. Review status: criteria provided, single submitter. Criteria: Invitae Variant Classification Sherloc (09022015). Collection method: clinical testing. Allele origin: germline.
Comment: This sequence change replaces leucine with proline at codon 490 of the DDHD1 protein (p.Leu490Pro). The leucine residue is highly conserved and there is a moderate physicochemical difference between leucine and proline. This variant is not present in population databases (ExAC no frequency). This variant has not been reported in the literature in individuals with DDHD1-related conditions. Algorithms developed to predict the effect of missense changes on protein structure and function (SIFT, PolyPhen-2, Align-GVGD) all suggest that this variant is likely to be disruptive, but these predictions have not been confirmed by published functional studies and their clinical significance is uncertain. In summary, the available evidence is currently insufficient to determine the role of this variant in disease. Therefore, it has been classified as a Variant of Uncertain Significance.

NM_001160148.2(DDHD1):c.1448T>C (p.Leu483Pro)

Gene: DDHD1 (DDHD domain containing 1; minus strand). Cytogenetic location: 14q22.1.
Variant type: single nucleotide variant.
Coding change: c.1448T>C on transcript NM_001160148.2 (MANE Select); coding-DNA position 1448, T replaced by C.
Protein change: p.Leu483Pro; replaces leucine 483 with proline.
Molecular consequence: missense variant.
Genome position (GRCh38, 1-based): chr14:53,072,652, A>G on the plus strand (T>C on the coding strand, the complement: DDHD1 is on the minus strand). VCF-style: chr14-53072652-A-G. GRCh37 (hg19) VCF-style: chr14-53539370-A-G.
Other names: c.1469T>C, p.Leu490Pro (NM_001160147.2); c.1448T>C, p.Leu483Pro (NM_030637.3); short protein forms L490P, L483P.
Identifiers: ClinVar variation 1429629 (VCV001429629.8), dbSNP rs2139912886, ClinGen allele CA389764077.